The following is an entry in ClinVar:

NM_000098.3(CPT2):c.745G>T (p.Gly249Ter)

Gene: CPT2 (carnitine palmitoyltransferase 2; plus strand). Cytogenetic location: 1p32.3.
Variant type: single nucleotide variant.
Coding change: c.745G>T on transcript NM_000098.3 (MANE Select); coding-DNA position 745, G replaced by T.
Protein change: p.Gly249Ter; replaces glycine 249 with a stop codon.
Molecular consequence: nonsense.
Genome position (GRCh38, 1-based): chr1:53,210,419, G>T. VCF-style: chr1-53210419-G-T. GRCh37 (hg19) VCF-style: chr1-53676091-G-T.
Other names: c.745G>T, p.Gly249Ter (NM_001330589.2); short protein forms G249*.
Identifiers: ClinVar variation 1076105 (VCV001076105.7), dbSNP rs2100272595, ClinGen allele CA340393547.

ClinVar aggregate classification (germline): Pathogenic (1 of 4 stars; one submission).

Conditions:
Carnitine palmitoyltransferase II deficiency. Also called: Carnitine Palmitoyltransferase 2 Deficiency. Identifiers: Orphanet 157, MedGen C0342790, MONDO:0015515.

gnomAD v4.1: 1 of 1,614,162 alleles (0.000062%); no homozygotes.

Submission:

Labcorp Genetics (formerly Invitae), Labcorp
Classification: Pathogenic for Carnitine palmitoyltransferase II deficiency. Last evaluated: 2020-04-13. Review status: criteria provided, single submitter. Criteria: Invitae Variant Classification Sherloc (09022015). Collection method: clinical testing. Allele origin: germline.
Comment: For these reasons, this variant has been classified as Pathogenic. Loss-of-function variants in CPT2 are known to be pathogenic (PMID: 16781677, 16996287). This variant is not present in population databases (ExAC no frequency). This variant has not been reported in the literature in individuals with CPT2-related conditions. This sequence change creates a premature translational stop signal (p.Gly249*) in the CPT2 gene. It is expected to result in an absent or disrupted protein product.

Literature cited by the submitters: PubMed 16781677; PubMed 16996287.